The following is an entry in ClinVar:

NM_152594.3(SPRED1):c.500C>A (p.Pro167His)

Gene: SPRED1 (sprouty related EVH1 domain containing 1; plus strand). Cytogenetic location: 15q14.
Variant type: single nucleotide variant.
Coding change: c.500C>A on transcript NM_152594.3 (MANE Select); coding-DNA position 500, C replaced by A.
Protein change: p.Pro167His; replaces proline 167 with histidine.
Molecular consequence: missense variant.
Genome position (GRCh38, 1-based): chr15:38,339,813, C>A. VCF-style: chr15-38339813-C-A. GRCh37 (hg19) VCF-style: chr15-38632014-C-A.
Other names: short protein forms P167H.
Identifiers: ClinVar variation 4615023 (VCV004615023.1).

ClinVar aggregate classification (germline): Uncertain significance (1 of 4 stars; one submission).

Conditions:
Cardiovascular phenotype. Identifiers: MedGen CN230736.

Submission:

Ambry Genetics
Classification: Uncertain significance for Cardiovascular phenotype. Last evaluated: 2025-10-28. Review status: criteria provided, single submitter. Criteria: Ambry Variant Classification Scheme 2023. Collection method: clinical testing. Allele origin: germline.
Comment: The p.P167H variant (also known as c.500C>A), located in coding exon 5 of the SPRED1 gene, results from a C to A substitution at nucleotide position 500. The proline at codon 167 is replaced by histidine, an amino acid with similar properties. This amino acid position is conserved. In addition, the in silico prediction for this alteration is inconclusive. Based on the available evidence, the clinical significance of this variant remains unclear.